The following is an entry in ClinVar:

ClinVar aggregate classification (germline): Uncertain significance (1 of 4 stars; one submission).

Allele frequency attached by ClinVar (database versions not stated): ExAC 0.00001.
gnomAD v4.1: 7 of 1,613,394 alleles (0.00043%); highest among the groups gnomAD compares: East Asian, 0.0022%; no homozygotes.

Submission:

Labcorp Genetics (formerly Invitae), Labcorp
Classification: Uncertain significance. Last evaluated: 2025-06-04. Review status: criteria provided, single submitter. Criteria: Invitae Variant Classification Sherloc (09022015). Collection method: clinical testing. Allele origin: germline.
Comment: This sequence change replaces alanine, which is neutral and non-polar, with valine, which is neutral and non-polar, at codon 225 of the TANGO2 protein (p.Ala225Val). This variant is present in population databases (rs759993183, gnomAD 0.006%). This variant has not been reported in the literature in individuals affected with TANGO2-related conditions. ClinVar contains an entry for this variant (Variation ID: 1472813). An algorithm developed to predict the effect of missense changes on protein structure and function (PolyPhen-2) suggests that this variant is likely to be disruptive. Algorithms developed to predict the effect of sequence changes on RNA splicing suggest that this variant may create or strengthen a splice site. In summary, the available evidence is currently insufficient to determine the role of this variant in disease. Therefore, it has been classified as a Variant of Uncertain Significance.

NM_152906.7(TANGO2):c.674C>T (p.Ala225Val)

Gene: TANGO2 (transport and golgi organization 2 homolog; plus strand). Cytogenetic location: 22q11.21.
Variant type: single nucleotide variant.
Coding change: c.674C>T on transcript NM_152906.7 (MANE Select); coding-DNA position 674, C replaced by T.
Protein change: p.Ala225Val; replaces alanine 225 with valine.
Molecular consequence: missense variant. On other transcripts: synonymous variant (5), 3 prime UTR variant (1), non-coding transcript variant (5), intron variant (1).
Genome position (GRCh38, 1-based): chr22:20,063,406, C>T. VCF-style: chr22-20063406-C-T. GRCh37 (hg19) VCF-style: chr22-20050929-C-T.
Other names: c.674C>T, p.Ala225Val (NM_001283106.3, NM_001283116.3, NM_001322142.2); c.797C>T, p.Ala266Val (NM_001283129.3, NM_001322141.2, NM_001322143.2); c.672C>T, p.Arg224= (NM_001283148.3, NM_001283154.3); c.488C>T, p.Ala163Val (NM_001283179.3, NM_001283186.3, NM_001322163.2 and 2 more transcripts); c.449C>T, p.Ala150Val (NM_001283199.3); c.380C>T, p.Ala127Val (NM_001283235.3, NM_001322150.2, NM_001322153.2 and 6 more transcripts); c.*10C>T (NM_001283248.3); c.795C>T, p.Arg265= (NM_001322144.2); and 5 more; short protein forms A150V, A163V, A204V, A225V, A266V, A127V, A191V.
Identifiers: ClinVar variation 1472813 (VCV001472813.4), dbSNP rs759993183, ClinGen allele CA10106523.